The following is an entry in ClinVar:

ClinVar aggregate classification (germline): Benign (1 of 4 stars; one submission).

Conditions:
Sessile serrated polyposis cancer syndrome (SSPCS). Identifiers: Orphanet 157798, MedGen C4310714, MONDO:0014919, OMIM 617108.

Submission:

Myriad Genetics, Inc.
Classification: Benign for Sessile serrated polyposis cancer syndrome. Last evaluated: 2026-07-01. Review status: criteria provided, single submitter. Criteria: Myriad Autosomal Dominant, Autosomal Recessive and X-Linked Classification Criteria (2023). Collection method: clinical testing. Allele origin: unknown.
Comment: This variant is considered benign. This variant is a silent/synonymous amino acid change and it is not expected to impact splicing.

NM_017763.6(RNF43):c.919C>A (p.Arg307=)

Gene: RNF43 (ring finger protein 43; minus strand). Cytogenetic location: 17q22.
Variant type: single nucleotide variant.
Coding change: c.919C>A on transcript NM_017763.6 (MANE Select); coding-DNA position 919, C replaced by A.
Protein change: p.Arg307=; no amino-acid change (arginine 307 retained).
Molecular consequence: synonymous variant.
Genome position (GRCh38, 1-based): chr17:58,360,182, G>T on the plus strand (C>A on the coding strand, the complement: RNF43 is on the minus strand). VCF-style: chr17-58360182-G-T. GRCh37 (hg19) VCF-style: chr17-56437543-G-T.
Other names: c.919C>A, p.Arg307= (NM_001305544.3, NM_001438820.1, NM_001438821.1 and 1 more transcripts); c.538C>A, p.Arg180= (NM_001305545.2, NM_001437987.1).
Identifiers: ClinVar variation 5042468 (VCV005042468.1).